The following is an entry in ClinVar:

NM_001171.6(ABCC6):c.2982C>T (p.Leu994=)

Gene: ABCC6 (ATP binding cassette subfamily C member 6; minus strand). Cytogenetic location: 16p13.11.
Variant type: single nucleotide variant.
Coding change: c.2982C>T on transcript NM_001171.6 (MANE Select); coding-DNA position 2982, C replaced by T.
Protein change: p.Leu994=; no amino-acid change (leucine 994 retained).
Molecular consequence: synonymous variant. On other transcripts: non-coding transcript variant (1).
Genome position (GRCh38, 1-based): chr16:16,169,659, G>A on the plus strand (C>T on the coding strand, the complement: ABCC6 is on the minus strand). VCF-style: chr16-16169659-G-A. GRCh37 (hg19) VCF-style: chr16-16263516-G-A.
Other names: c.2982C>T (NM_001171.5); c.2640C>T, p.Leu880= (NM_001351800.1).
Identifiers: ClinVar variation 1530406 (VCV001530406.12), dbSNP rs113270297, ClinGen allele CA7925727.

ClinVar aggregate classification (germline): Benign/Likely benign. Review status: criteria provided, multiple submitters, no conflicts (2 of 4 stars). 3 submissions from 3 submitters: Benign (1); Likely benign (1). 1 of the submissions does not count toward it. Last evaluated 2025-06-12.

Conditions:
ABCC6-related disorder. Also called: ABCC6-related condition.

Allele frequency attached by ClinVar (database versions not stated): gnomAD exomes 0.00003 and 0.00014; TOPMed 0.00007; ESP Exome Variant Server 0.00008; gnomAD 0.00008 and 0.00009; 1000 Genomes Project 30x 0.00016; ExAC 0.00018; 1000 Genomes Project 0.00020.
gnomAD v4.1: 60 of 1,610,816 alleles (0.0037%); highest among the groups gnomAD compares: East Asian, 0.067%; no homozygotes.

Submissions (3):

Labcorp Genetics (formerly Invitae), Labcorp
Classification: Benign. Last evaluated: 2025-06-12. Review status: criteria provided, single submitter. Criteria: Invitae Variant Classification Sherloc (09022015). Collection method: clinical testing. Allele origin: germline.

Blueprint Genetics
Classification: Likely benign. Last evaluated: 2024-09-09. Review status: criteria provided, single submitter. Criteria: ACMG Guidelines, 2015. Collection method: clinical testing. Allele origin: germline.

PreventionGenetics, part of Exact Sciences
Classification: Likely benign for ABCC6-related condition. Last evaluated: 2019-07-22. Review status: no assertion criteria provided. Collection method: clinical testing. Allele origin: germline. Not counted in ClinVar's aggregate classification.
Comment: This variant is classified as likely benign based on ACMG/AMP sequence variant interpretation guidelines (Richards et al. 2015 PMID: 25741868, with internal and published modifications).